The following is an entry in ClinVar:

ClinVar aggregate classification (germline): Uncertain significance. Review status: criteria provided, multiple submitters, no conflicts (2 of 4 stars). 2 submissions from 2 submitters: Uncertain significance (2). Last evaluated 2025-07-01.

Conditions:
Inborn genetic diseases. Identifiers: MedGen C0950123, MeSH D030342.

Allele frequency attached by ClinVar (database versions not stated): gnomAD exomes below 0.00001; TOPMed 0.00001.
gnomAD v4.1: 1 of 1,601,130 alleles (0.000062%); highest among the groups gnomAD compares: African/African-American, 0.0013%; no homozygotes.

Submissions (2):

Ambry Genetics
Classification: Uncertain significance for Inborn genetic diseases. Last evaluated: 2025-07-01. Review status: criteria provided, single submitter. Criteria: Ambry Variant Classification Scheme 2023. Collection method: clinical testing. Allele origin: germline.

Labcorp Genetics (formerly Invitae), Labcorp
Classification: Uncertain significance. Last evaluated: 2022-03-19. Review status: criteria provided, single submitter. Criteria: Invitae Variant Classification Sherloc (09022015). Collection method: clinical testing. Allele origin: germline.
Comment: Algorithms developed to predict the effect of missense changes on protein structure and function are either unavailable or do not agree on the potential impact of this missense change (SIFT: "Deleterious"; PolyPhen-2: "Possibly Damaging"; Align-GVGD: "Class C0"). In summary, the available evidence is currently insufficient to determine the role of this variant in disease. Therefore, it has been classified as a Variant of Uncertain Significance. This sequence change replaces glutamic acid, which is acidic and polar, with glycine, which is neutral and non-polar, at codon 684 of the AP3B2 protein (p.Glu684Gly). This variant is not present in population databases (gnomAD no frequency). This variant has not been reported in the literature in individuals affected with AP3B2-related conditions.

NM_001278512.2(AP3B2):c.2108A>G (p.Glu703Gly)

Genes: AP3B2 (adaptor related protein complex 3 subunit beta 2; minus strand), CPEB1-AS1 (CPEB1 antisense RNA 1; plus strand). Cytogenetic location: 15q25.2.
Variant type: single nucleotide variant.
Coding change: c.2108A>G on transcript NM_001278512.2 (MANE Select); coding-DNA position 2108, A replaced by G.
Protein change: p.Glu703Gly; replaces glutamic acid 703 with glycine.
Molecular consequence: missense variant.
Genome position (GRCh38, 1-based): chr15:82,664,864, T>C on the plus strand (A>G on the coding strand, the complement: AP3B2 is on the minus strand). VCF-style: chr15-82664864-T-C. GRCh37 (hg19) VCF-style: chr15-83333616-T-C.
Other names: c.1955A>G, p.Glu652Gly (NM_001278511.2); c.2051A>G, p.Glu684Gly (NM_004644.5); c.2051A>G (NM_004644.3); short protein forms E652G, E684G, E703G.
Identifiers: ClinVar variation 1467479 (VCV001467479.7), dbSNP rs921448209, ClinGen allele CA273483172.
Genomic context (GRCh38, chr15:82,664,864, plus strand): 5'-ACAGAGGACCCCAGCTCTGCCATCTGCTCACCACTGTCTGCGGACTCCGTGGGGCCTGAC[T>C]CCCCCTCAGAGTCCGAGTAGAAGGGTTTTTCCTTCTCCTTTCTCTTCTCCCGATTTGAGC-3'
Protein context (NP_001265441.1, residues 693-713): EKPFYSDSEG[Glu703Gly]SGPTESADSD